The following is an entry in ClinVar:

NM_000466.3(PEX1):c.1417T>C (p.Ser473Pro)

Gene: PEX1 (peroxisomal biogenesis factor 1; minus strand). Cytogenetic location: 7q21.2.
Variant type: single nucleotide variant.
Coding change: c.1417T>C on transcript NM_000466.3 (MANE Select); coding-DNA position 1417, T replaced by C.
Protein change: p.Ser473Pro; replaces serine 473 with proline.
Molecular consequence: missense variant.
Genome position (GRCh38, 1-based): chr7:92,511,646, A>G on the plus strand (T>C on the coding strand, the complement: PEX1 is on the minus strand). VCF-style: chr7-92511646-A-G. GRCh37 (hg19) VCF-style: chr7-92140960-A-G.
Other names: c.1417T>C, p.Ser473Pro (NM_001282677.2); c.793T>C, p.Ser265Pro (NM_001282678.2); c.1417T>C (NM_000466.2); short protein forms S473P, S265P.
Identifiers: ClinVar variation 1449062 (VCV001449062.5), dbSNP rs1474508557, ClinGen allele CA368191048.
Genomic context (GRCh38, chr7:92,511,646, plus strand): 5'-TAGTTTCCAGCTTAATAAATTCTTCCTCTGATATTACCAAAGGAAGCATGGTGGTAGTAG[A>G]CTGCTGTAGCCATGAATAAAATACAGTTTTTATGTCTTCTTCACTTATGTCTTTAGGCTG-3'
Protein context (NP_000457.1, residues 463-483): KTVFYSWLQQ[Ser473Pro]TTTMLPLVIS

ClinVar aggregate classification (germline): Uncertain significance. Review status: criteria provided, multiple submitters, no conflicts (2 of 4 stars). 2 submissions from 2 submitters: Uncertain significance (2). Last evaluated 2025-07-07.

Conditions:
Zellweger spectrum disorders (ZS). Also called: Zellweger Spectrum Disorder (ZSD); Zellweger Spectrum Disorder; Zellweger Spectrum; Zellweger syndrome. Identifiers: Orphanet 912, MedGen C0043459, MONDO:0019609.
Inborn genetic diseases. Identifiers: MedGen C0950123, MeSH D030342.

Allele frequency attached by ClinVar (database versions not stated): gnomAD 0.00001; gnomAD exomes 0.00001.
gnomAD v4.1: 9 of 1,611,418 alleles (0.00056%); highest among the groups gnomAD compares: Middle Eastern, 0.016%; no homozygotes.

Submissions (2):

Labcorp Genetics (formerly Invitae), Labcorp
Classification: Uncertain significance for Zellweger spectrum disorders. Last evaluated: 2025-07-07. Review status: criteria provided, single submitter. Criteria: Invitae Variant Classification Sherloc (09022015). Collection method: clinical testing. Allele origin: germline.
Comment: This sequence change replaces serine, which is neutral and polar, with proline, which is neutral and non-polar, at codon 473 of the PEX1 protein (p.Ser473Pro). This variant is not present in population databases (gnomAD no frequency). This variant has not been reported in the literature in individuals affected with PEX1-related conditions. ClinVar contains an entry for this variant (Variation ID: 1449062). Invitae Evidence Modeling of protein sequence and biophysical properties (such as structural, functional, and spatial information, amino acid conservation, physicochemical variation, residue mobility, and thermodynamic stability) indicates that this missense variant is not expected to disrupt PEX1 protein function with a negative predictive value of 95%. In summary, the available evidence is currently insufficient to determine the role of this variant in disease. Therefore, it has been classified as a Variant of Uncertain Significance.

Ambry Genetics
Classification: Uncertain significance for Inborn genetic diseases. Last evaluated: 2023-08-08. Review status: criteria provided, single submitter. Criteria: Ambry Variant Classification Scheme 2023. Collection method: clinical testing. Allele origin: germline.